The following is an entry in ClinVar:

ClinVar aggregate classification (germline): Benign/Likely benign. Review status: criteria provided, multiple submitters, no conflicts (2 of 4 stars). 12 submissions from 12 submitters: Benign (5); Likely benign (3). 4 of the submissions do not count toward it. Last evaluated 2026-02-04.

Conditions:
Autosomal recessive polycystic kidney disease (ARPKD). Also called: AR polycystic kidney disease. Identifiers: Orphanet 731, Orphanet 8378, MedGen C0085548, MeSH D017044, MONDO:0009889.
Polycystic kidney disease. Also called: Kidney, Polycystic; Polycystic kidney dysplasia. Identifiers: MedGen C0022680, MeSH D007690, MONDO:0020642, HP:0000113.

Allele frequency attached by ClinVar (database versions not stated): 1000 Genomes Project 30x 0.00578; 1000 Genomes Project 0.00599; TOPMed 0.01209; gnomAD exomes 0.01296; gnomAD 0.01300 and 0.01349; ExAC 0.01303; ESP Exome Variant Server 0.01461.
gnomAD v4.1: 27,971 of 1,580,436 alleles (1.8%); highest among the groups gnomAD compares: Non-Finnish European, 2.1%; 323 homozygotes.

Submissions (12):

Labcorp Genetics (formerly Invitae), Labcorp
Classification: Benign for Autosomal recessive polycystic kidney disease. Last evaluated: 2026-02-04. Review status: criteria provided, single submitter. Criteria: Invitae Variant Classification Sherloc (09022015). Collection method: clinical testing. Allele origin: germline.

Blueprint Genetics
Classification: Likely benign. Last evaluated: 2024-11-24. Review status: criteria provided, single submitter. Criteria: ACMG Guidelines, 2015. Collection method: clinical testing. Allele origin: germline.

Mayo Clinic Laboratories, Mayo Clinic
Classification: Benign. Last evaluated: 2023-12-21. Review status: criteria provided, single submitter. Criteria: ACMG Guidelines, 2015. Collection method: clinical testing. Allele origin: germline. Observed: 15 variant alleles.
Comment: BS1, BS2, BP4

GeneDx
Classification: Likely benign. Last evaluated: 2018-07-10. Review status: criteria provided, single submitter. Criteria: GeneDx Variant Classification Process June 2021. Collection method: clinical testing. Allele origin: germline. Affected: yes.

Illumina Laboratory Services, Illumina
Classification: Benign for Polycystic kidney disease 4. Last evaluated: 2017-04-27. Review status: criteria provided, single submitter. Criteria: ICSL Variant Classification Criteria 13 December 2019. Collection method: clinical testing. Allele origin: germline.
Comment: This variant was observed as part of a predisposition screen in an ostensibly healthy population. A literature search was performed for the gene, cDNA change, and amino acid change (where applicable). Publications were found based on this search. The evidence from the literature, in combination with allele frequency data from public databases where available, was sufficient to rule this variant out of causing disease. Therefore, this variant is classified as benign.

Eurofins Ntd Llc (ga)
Classification: Benign. Last evaluated: 2016-04-26. Review status: criteria provided, single submitter. Criteria: EGL Classification Definitions 2015. Collection method: clinical testing. Allele origin: germline. Observed: 7 variant alleles, 7 heterozygotes.

Breakthrough Genomics
Classification: Likely benign. Review status: criteria provided, single submitter. Criteria: ACMG Guidelines, 2015. Collection method: not provided. Allele origin: germline. Inheritance: Autosomal recessive inheritance. Affected: yes.

PreventionGenetics, part of Exact Sciences
Classification: Benign. Review status: criteria provided, single submitter. Criteria: ACMG Guidelines, 2015. Collection method: clinical testing. Allele origin: germline.

Natera, Inc.
Classification: Benign for Autosomal recessive polycystic kidney disease. Last evaluated: 2017-08-09. Review status: no assertion criteria provided. Collection method: clinical testing. Allele origin: germline. Not counted in ClinVar's aggregate classification.

Department of Pathology and Laboratory Medicine, Sinai Health System
Classification: Benign for Polycystic Kidney disease. Review status: no assertion criteria provided. Collection method: clinical testing. Allele origin: unknown. Affected: yes. Observed: 1 variant allele. Study: The Canadian Open Genetics Repository (COGR). Not counted in ClinVar's aggregate classification.
Comment: The PKHD1 c.11174+11A>G variant was identified in 4 of 314 proband chromosomes (frequency: 0.01) from Dutch, Czech and European individuals or families with ARPKD and was identified in 5 of 200 chromosomes from healthy individuals (frequency: 0.025) (Obeidova 2015, Losekoot 2005, Bergmann 2005). The variant was also identified in dbSNP (ID: rs115072237) â€šÃ„ÃºWith Benign alleleâ€šÃ„Ã¹, ClinVar (classified benign by EGL Genetic Diagnostics (Eurofins Clinical Diagnostics) and Prevention Genetics), and RWTH AAachen University ARPKD database (classified as a polymorphism). The variant was also identified in control databases in 3588 of 276422 chromosomes (35 homozygous) at a frequency of 0.01 increasing the likelihood this could be a low frequency benign variant (Genome Aggregation Database Feb 27, 2017). Breakdown of the observations by population include African in 89 of 24012 chromosomes (freq: 0.004), Other in 82 (1 homozygous) of 6432 chromosomes (freq: 0.01), Latino in 281 of 34318 chromosomes (freq: 0.008), European Non-Finnish in 2579 (31 homozygous) of 126206 chromosomes (freq: 0.02), Ashkenazi Jewish in 14 of 10138 chromosomes (freq: 0.001), European Finnish in 318 (2 homozygous) of 25726 chromosomes (freq: 0.01), and South Asian in 225 (1 homozygous) of 30778 chromosomes (freq: 0.007). and was not observed in the East Asian population. The variant occurs outside of the splicing consensus sequence and in silico or computational prediction software programs (SpliceSiteFinder, MaxEntScan, NNSPLICE, GeneSplicer, HumanSpliceFinder) do not predict a difference in splicing. In summary, based on the above information, this variant meets our laboratory criteria to be classified as benign.

Genome Diagnostics Laboratory, University Medical Center Utrecht
Classification: Benign. Review status: no assertion criteria provided. Collection method: clinical testing. Allele origin: germline. Affected: yes. Study: VKGL Data-share Consensus. Not counted in ClinVar's aggregate classification.

Laboratory of Diagnostic Genome Analysis, Leiden University Medical Center (LUMC)
Classification: Benign. Review status: no assertion criteria provided. Collection method: clinical testing. Allele origin: germline. Affected: yes. Study: VKGL Data-share Consensus. Not counted in ClinVar's aggregate classification.

Literature cited by the submitters: PubMed 26695994 (cited by Illumina Laboratory Services, Illumina); PubMed 15698423 (cited by Illumina Laboratory Services, Illumina); PubMed 15108277 (cited by Illumina Laboratory Services, Illumina); PubMed 16133180 (cited by Illumina Laboratory Services, Illumina).

NM_138694.4(PKHD1):c.11174+11A>G

Gene: PKHD1 (PKHD1 ciliary IPT domain containing fibrocystin/polyductin; minus strand). Cytogenetic location: 6p12.3.
Variant type: single nucleotide variant.
Coding change: c.11174+11A>G on transcript NM_138694.4 (MANE Select); 11 bases into the intron after coding-DNA position 11174, A replaced by G.
Molecular consequence: intron variant.
Genome position (GRCh38, 1-based): chr6:51,658,941, T>C on the plus strand (A>G on the coding strand, the complement: PKHD1 is on the minus strand). VCF-style: chr6-51658941-T-C. GRCh37 (hg19) VCF-style: chr6-51523739-T-C.
Other names: p.?.
Identifiers: ClinVar variation 96369 (VCV000096369.31), dbSNP rs115072237, ClinGen allele CA149475.